The following is an entry in ClinVar:

ClinVar aggregate classification (germline): Uncertain significance (1 of 4 stars; one submission).

Conditions:
Holoprosencephaly 5 (HPE5). Identifiers: Orphanet 2162, MedGen C1864827, MONDO:0012322, OMIM 609637.

Allele frequency attached by ClinVar (database versions not stated): gnomAD exomes below 0.00001.
gnomAD v4.1: 3 of 1,601,778 alleles (0.00019%); highest among the groups gnomAD compares: Non-Finnish European, 0.00025%; no homozygotes.

Submission:

Labcorp Genetics (formerly Invitae), Labcorp
Classification: Uncertain significance for Holoprosencephaly 5. Last evaluated: 2024-11-03. Review status: criteria provided, single submitter. Criteria: Invitae Variant Classification Sherloc (09022015). Collection method: clinical testing. Allele origin: germline.
Comment: This sequence change replaces methionine, which is neutral and non-polar, with valine, which is neutral and non-polar, at codon 225 of the ZIC2 protein (p.Met225Val). This variant is not present in population databases (gnomAD no frequency). This variant has not been reported in the literature in individuals affected with ZIC2-related conditions. ClinVar contains an entry for this variant (Variation ID: 1000901). An algorithm developed to predict the effect of missense changes on protein structure and function (PolyPhen-2) suggests that this variant is likely to be tolerated. In summary, the available evidence is currently insufficient to determine the role of this variant in disease. Therefore, it has been classified as a Variant of Uncertain Significance.

NM_007129.5(ZIC2):c.673A>G (p.Met225Val)

Gene: ZIC2 (Zic family zinc finger 2; plus strand). Cytogenetic location: 13q32.3.
Variant type: single nucleotide variant.
Coding change: c.673A>G on transcript NM_007129.5 (MANE Select); coding-DNA position 673, A replaced by G.
Protein change: p.Met225Val; replaces methionine 225 with valine.
Molecular consequence: missense variant.
Genome position (GRCh38, 1-based): chr13:99,982,737, A>G. VCF-style: chr13-99982737-A-G. GRCh37 (hg19) VCF-style: chr13-100634991-A-G.
Other names: short protein forms M225V.
Identifiers: ClinVar variation 1000901 (VCV001000901.8), dbSNP rs953472306, ClinGen allele CA255394718.
Genomic context (GRCh38, chr13:99,982,737, plus strand): 5'-TACTCGGCGGCGCAACTCCACAACCAGTACGGCCCCATGAATATGAACATGGGTATGAAC[A>G]TGGCAGCAGCCGCGGCCCACCACCACCACCACCACCACCACCACCCCGGTGCCTTTTTCC-3'
Protein context (NP_009060.2, residues 215-235): GPMNMNMGMN[Met225Val]AAAAAHHHHH